The following is an entry in ClinVar:

NM_002528.7(NTHL1):c.89C>T (p.Pro30Leu)

Gene: NTHL1 (nth like DNA glycosylase 1; minus strand). Cytogenetic location: 16p13.3.
Variant type: single nucleotide variant.
Coding change: c.89C>T on transcript NM_002528.7 (MANE Select); coding-DNA position 89, C replaced by T.
Protein change: p.Pro30Leu; replaces proline 30 with leucine.
Molecular consequence: missense variant. On other transcripts: 5 prime UTR variant (1).
Genome position (GRCh38, 1-based): chr16:2,047,735, G>A on the plus strand (C>T on the coding strand, the complement: NTHL1 is on the minus strand). VCF-style: chr16-2047735-G-A. GRCh37 (hg19) VCF-style: chr16-2097736-G-A.
Other names: c.89C>T, p.Pro30Leu (NM_001318193.2); c.-90C>T (NM_001318194.2); short protein forms P30L.
Identifiers: ClinVar variation 1059297 (VCV001059297.11), dbSNP rs759555861, ClinGen allele CA276766637.

ClinVar aggregate classification (germline): Uncertain significance. Review status: criteria provided, multiple submitters, no conflicts (2 of 4 stars). 3 submissions from 3 submitters: Uncertain significance (3). Last evaluated 2025-07-09.

Conditions:
Familial adenomatous polyposis 3. Also called: NTHL1-associated polyposis; NTHL1 Tumor Syndrome; NTHL1-related attenuated familial adenomatous polyposis; NTHL1-Related Adenomatous Polyposis and Colorectal Cancer. Identifiers: Orphanet 220460, Orphanet 454840, MedGen C4225157, MONDO:0014630, OMIM 616415.
Hereditary cancer-predisposing syndrome. Also called: Neoplastic Syndromes, Hereditary; Hereditary Cancer Syndrome; Hereditary neoplastic syndrome; Tumor predisposition. Identifiers: Orphanet 140162, MedGen C0027672, MeSH D009386, MONDO:0015356.

Allele frequency attached by ClinVar (database versions not stated): gnomAD 0.00001.

Submissions (3):

Labcorp Genetics (formerly Invitae), Labcorp
Classification: Uncertain significance. Last evaluated: 2025-07-09. Review status: criteria provided, single submitter. Criteria: Invitae Variant Classification Sherloc (09022015). Collection method: clinical testing. Allele origin: germline.
Comment: This sequence change replaces proline, which is neutral and non-polar, with leucine, which is neutral and non-polar, at codon 38 of the NTHL1 protein (p.Pro38Leu). This variant is not present in population databases (gnomAD no frequency). This variant has not been reported in the literature in individuals affected with NTHL1-related conditions. ClinVar contains an entry for this variant (Variation ID: 1059297). An algorithm developed to predict the effect of missense changes on protein structure and function outputs the following: PolyPhen-2: "Benign". The leucine amino acid residue is found in multiple mammalian species, which suggests that this missense change does not adversely affect protein function. In summary, the available evidence is currently insufficient to determine the role of this variant in disease. Therefore, it has been classified as a Variant of Uncertain Significance.

Ambry Genetics
Classification: Uncertain significance for Hereditary cancer-predisposing syndrome. Last evaluated: 2025-01-17. Review status: criteria provided, single submitter. Criteria: Ambry Variant Classification Scheme 2023. Collection method: clinical testing. Allele origin: germline.
Comment: The p.P38L variant (also known as c.113C>T), located in coding exon 1 of the NTHL1 gene, results from a C to T substitution at nucleotide position 113. The proline at codon 38 is replaced by leucine, an amino acid with similar properties. This amino acid position is not well conserved in available vertebrate species. In addition, this alteration is predicted to be tolerated by in silico analysis. Since supporting evidence is limited at this time, the clinical significance of this alteration remains unclear.

Baylor Genetics
Classification: Uncertain significance for Familial adenomatous polyposis 3. Last evaluated: 2023-09-04. Review status: criteria provided, single submitter. Criteria: ACMG Guidelines, 2015. Collection method: clinical testing. Allele origin: unknown.